The following is an entry in ClinVar:

NM_024306.5(FA2H):c.510_511del (p.Tyr170_Ser171delinsTer)

Gene: FA2H (fatty acid 2-hydroxylase; minus strand). Cytogenetic location: 16q23.1.
Variant type: Deletion.
Coding change: c.510_511del on transcript NM_024306.5 (MANE Select); coding-DNA positions 510 to 511, 2 bases deleted (CA; older notation c.510_511delCA).
Protein change: p.Tyr170_Ser171delinsTer.
Molecular consequence: nonsense.
Genome position (GRCh38, 1-based): chr16:74,726,327-74,726,328, TG deleted on the plus strand (CA on the coding strand, the reverse complement: FA2H is on the minus strand); deleting any 2 consecutive bases within chr16:74,726,327-74,726,329 gives the same sequence; the c. name uses the placement nearest the transcript's 3' end. VCF-style (leftmost placement, unchanged base first): chr16-74726326-CTG-C. GRCh37 (hg19) VCF-style: chr16-74760224-CTG-C.
Other names: p.Tyr170*.
Identifiers: ClinVar variation 30873 (VCV000030873.10), dbSNP rs587776891, ClinGen allele CA259931.

ClinVar aggregate classification (germline): Pathogenic. Review status: criteria provided, multiple submitters, no conflicts (2 of 4 stars). 4 submissions from 4 submitters: Pathogenic (3). 1 of the submissions does not count toward it. Last evaluated 2025-12-16.

Conditions:
Spastic paraplegia. Identifiers: MedGen C0037772, HP:0001258.
Hereditary spastic paraplegia 35. Also called: SPASTIC PARAPLEGIA 35, AUTOSOMAL RECESSIVE, WITH OR WITHOUT NEURODEGENERATION; LEUKODYSTROPHY, DYSMYELINATING, AND SPASTIC PARAPARESIS WITH OR WITHOUT DYSTONIA; Spastic paraplegia 35, autosomal recessive; Spastic paraplegia 35. Identifiers: Orphanet 171629, MedGen C3496228, MONDO:0012866, OMIM 612319.

Submissions (4):

Labcorp Genetics (formerly Invitae), Labcorp
Classification: Pathogenic for Spastic paraplegia. Last evaluated: 2025-12-16. Review status: criteria provided, single submitter. Criteria: Invitae Variant Classification Sherloc (09022015). Collection method: clinical testing. Allele origin: germline.
Comment: This sequence change creates a premature translational stop signal (p.Tyr170*) in the FA2H gene. It is expected to result in an absent or disrupted protein product. Loss-of-function variants in FA2H are known to be pathogenic (PMID: 20853438, 25496456, 25732363, 26344562). This variant is not present in population databases (gnomAD no frequency). This premature translational stop signal has been observed in individual(s) with clinical features of FA2H-related conditions (PMID: 20853438, 23745665, 31135052). This variant is also known as c.509_510delAC. ClinVar contains an entry for this variant (Variation ID: 30873). For these reasons, this variant has been classified as Pathogenic.

GeneDx
Classification: Pathogenic. Last evaluated: 2025-04-08. Review status: criteria provided, single submitter. Criteria: GeneDx Variant Classification Process June 2021. Collection method: clinical testing. Allele origin: germline. Affected: yes.
Comment: Nonsense variant predicted to result in protein truncation or nonsense mediated decay in a gene for which loss of function is a known mechanism of disease; Not observed at significant frequency in large population cohorts (gnomAD); This variant is associated with the following publications: (PMID: 23745665, 20853438, 31135052, 22965561, 29376581, 21592092, 23566484)

Mayo Clinic Laboratories, Mayo Clinic
Classification: Pathogenic. Last evaluated: 2024-01-31. Review status: criteria provided, single submitter. Criteria: ACMG Guidelines, 2015. Collection method: clinical testing. Allele origin: germline. Observed: 1 variant allele.
Comment: PP1, PM2, PM3, PVS1

OMIM
Classification: Pathogenic for SPASTIC PARAPLEGIA 35, AUTOSOMAL RECESSIVE, WITH OR WITHOUT NEURODEGENERATION. Last evaluated: 2014-04-01. Review status: no assertion criteria provided. Collection method: literature only. Allele origin: germline. Not counted in ClinVar's aggregate classification.

Literature cited by the submitters: PubMed 20853438 (cited by 3 submitters); PubMed 25496456 (cited by Labcorp Genetics (formerly Invitae), Labcorp); PubMed 25732363 (cited by Labcorp Genetics (formerly Invitae), Labcorp); PubMed 26344562 (cited by Labcorp Genetics (formerly Invitae), Labcorp); PubMed 23745665 (cited by 3 submitters); PubMed 31135052 (cited by Labcorp Genetics (formerly Invitae), Labcorp and Mayo Clinic Laboratories, Mayo Clinic); PubMed 21592092 (cited by Mayo Clinic Laboratories, Mayo Clinic); PubMed 22965561 (cited by Mayo Clinic Laboratories, Mayo Clinic); PubMed 23566484 (cited by Mayo Clinic Laboratories, Mayo Clinic); PubMed 29376581 (cited by Mayo Clinic Laboratories, Mayo Clinic).